The following is an entry in ClinVar:

ClinVar aggregate classification (germline): Pathogenic (1 of 4 stars; one submission).

Conditions:
Achromatopsia 3 (ACHM3). Also called: ACHROMATOPSIA WITH MYOPIA; PINGELAPESE BLINDNESS; TOTAL COLORBLINDNESS WITH MYOPIA; ROD MONOCHROMACY 1; ROD MONOCHROMATISM 1. Identifiers: Orphanet 49382, MedGen C1849792, MONDO:0009875, OMIM 262300.

Submission:

Myriad Genetics, Inc.
Classification: Pathogenic for Achromatopsia 3. Last evaluated: 2023-09-27. Review status: criteria provided, single submitter. Criteria: Myriad Autosomal Dominant, Autosomal Recessive and X-Linked Classification Criteria (2023). Collection method: clinical testing. Allele origin: unknown.
Comment: NM_019098.4(CNGB3):c.353dupC(P119Afs*8) is expected to be pathogenic in the context of achromatopsia, CNGB3-related. This variant is predicted to lead to an abnormal or absent protein product due to the creation of a premature termination codon in CNGB3, a gene where loss-of-function variants are known to be pathogenic. Please note: this variant was assessed in the context of healthy population screening.

NM_019098.5(CNGB3):c.353dup (p.Pro119fs)

Gene: CNGB3 (cyclic nucleotide gated channel subunit beta 3; minus strand). Cytogenetic location: 8q21.3.
Variant type: Duplication.
Coding change: c.353dup on transcript NM_019098.5 (MANE Select); coding-DNA position 353, one base duplicated (C; older notation c.353dupC).
Protein change: p.Pro119fs; shifts the reading frame from proline 119.
Molecular consequence: frameshift variant.
Genome position (GRCh38, 1-based): chr8:86,671,084, G duplicated on the plus strand (C on the coding strand, the reverse complement: CNGB3 is on the minus strand); the first of 2 consecutive G bases (chr8:86,671,084-86,671,085); duplicating either gives the same sequence. VCF-style (leftmost placement, unchanged base first): chr8-86671083-C-CG. GRCh37 (hg19) VCF-style: chr8-87683311-C-CG.
Other names: short protein forms P119fs.
Identifiers: ClinVar variation 5012070 (VCV005012070.1).
Genomic context (GRCh38, chr8:86,671,083, plus strand): 5'-TCTTTTCACCAGGTTGTGTAGCTGGGCATCGGCATACTCATTTATAACAGGAGCTGCAGG[C>CG]GGTTTGTTTTGTGGGCTAAATGAGAAAAAAAATGGCAATAGAGATGGGCCCATGAAGAAA-3'